The following is an entry in ClinVar:

ClinVar aggregate classification (germline): Uncertain significance. Review status: criteria provided, multiple submitters, no conflicts (2 of 4 stars). 2 submissions from 2 submitters: Uncertain significance (2). Last evaluated 2022-06-28.

Conditions:
Cardiovascular phenotype. Identifiers: MedGen CN230736.
Long QT syndrome (LQTS). Identifiers: MedGen C0023976, MeSH D008133, MONDO:0002442. Disease mechanism: loss of function. Inheritance: Various modes of inheritance.

Allele frequency attached by ClinVar (database versions not stated): TOPMed below 0.00001.

Submissions (2):

Labcorp Genetics (formerly Invitae), Labcorp
Classification: Uncertain significance for Long QT syndrome. Last evaluated: 2022-06-28. Review status: criteria provided, single submitter. Criteria: Invitae Variant Classification Sherloc (09022015). Collection method: clinical testing. Allele origin: germline.
Comment: This sequence change replaces aspartic acid, which is acidic and polar, with valine, which is neutral and non-polar, at codon 1575 of the AKAP9 protein (p.Asp1575Val). This variant is present in population databases (no rsID available, gnomAD 0.0009%). This variant has not been reported in the literature in individuals affected with AKAP9-related conditions. ClinVar contains an entry for this variant (Variation ID: 263600). Algorithms developed to predict the effect of missense changes on protein structure and function are either unavailable or do not agree on the potential impact of this missense change (SIFT: "Deleterious"; PolyPhen-2: "Possibly Damaging"; Align-GVGD: "Class C0"). In summary, the available evidence is currently insufficient to determine the role of this variant in disease. Therefore, it has been classified as a Variant of Uncertain Significance.

Ambry Genetics
Classification: Uncertain significance for Cardiovascular phenotype. Last evaluated: 2013-04-16. Review status: criteria provided, single submitter. Criteria: Ambry Autosomal Dominant and X-Linked criteria (10/2015). Collection method: clinical testing. Allele origin: germline. Observed: 1 variant allele.
Comment: There is insufficient or conflicting evidence for classification of this alteration.

NM_005751.5(AKAP9):c.4724A>T (p.Asp1575Val)

Gene: AKAP9 (A-kinase anchoring protein 9; plus strand). Cytogenetic location: 7q21.2.
Variant type: single nucleotide variant.
Coding change: c.4724A>T on transcript NM_005751.5 (MANE Select); coding-DNA position 4724, A replaced by T.
Protein change: p.Asp1575Val; replaces aspartic acid 1575 with valine.
Molecular consequence: missense variant.
Genome position (GRCh38, 1-based): chr7:92,040,705, A>T. VCF-style: chr7-92040705-A-T. GRCh37 (hg19) VCF-style: chr7-91670019-A-T.
Other names: c.4724A>T, p.Asp1575Val (NM_147185.3); short protein forms D1575V.
Identifiers: ClinVar variation 263600 (VCV000263600.8), dbSNP rs145763255, ClinGen allele CA10587652.